The following is an entry in ClinVar:

NM_022168.4(IFIH1):c.787G>A (p.Ala263Thr)

Gene: IFIH1 (interferon induced with helicase C domain 1; minus strand). Cytogenetic location: 2q24.2.
Variant type: single nucleotide variant.
Coding change: c.787G>A on transcript NM_022168.4 (MANE Select); coding-DNA position 787, G replaced by A.
Protein change: p.Ala263Thr; replaces alanine 263 with threonine.
Molecular consequence: missense variant.
Genome position (GRCh38, 1-based): chr2:162,293,651, C>T on the plus strand (G>A on the coding strand, the complement: IFIH1 is on the minus strand). VCF-style: chr2-162293651-C-T. GRCh37 (hg19) VCF-style: chr2-163150161-C-T.
Other names: short protein forms A263T.
Identifiers: ClinVar variation 2948200 (VCV002948200.3), dbSNP rs2468978173, ClinGen allele CA349006176.

ClinVar aggregate classification (germline): Uncertain significance (1 of 4 stars; one submission).

Conditions:
Singleton-Merten syndrome 1 (SGMRT1). Also called: Widened medullary cavities of bone, aortic calcification, abnormal dentition, and muscular weakness; Syndrome of widened medullary cavities of the metacarpals and phalanges, aortic calcification and abnormal dentition. Identifiers: Orphanet 85191, MedGen C4225427, MONDO:0024535, OMIM 182250.
Aicardi-Goutieres syndrome 7 (AGS7). Identifiers: Orphanet 51, MedGen C3888244, MONDO:0014367, OMIM 615846.

Submission:

Labcorp Genetics (formerly Invitae), Labcorp
Classification: Uncertain significance for Aicardi-Goutieres syndrome 7; Singleton-Merten syndrome 1. Last evaluated: 2023-05-25. Review status: criteria provided, single submitter. Criteria: Invitae Variant Classification Sherloc (09022015). Collection method: clinical testing. Allele origin: germline.
Comment: This sequence change replaces alanine, which is neutral and non-polar, with threonine, which is neutral and polar, at codon 263 of the IFIH1 protein (p.Ala263Thr). In summary, the available evidence is currently insufficient to determine the role of this variant in disease. Therefore, it has been classified as a Variant of Uncertain Significance. Advanced modeling of protein sequence and biophysical properties (such as structural, functional, and spatial information, amino acid conservation, physicochemical variation, residue mobility, and thermodynamic stability) has been performed at Invitae for this missense variant, however the output from this modeling did not meet the statistical confidence thresholds required to predict the impact of this variant on IFIH1 protein function. This variant has not been reported in the literature in individuals affected with IFIH1-related conditions. This variant is not present in population databases (gnomAD no frequency).